The following is an entry in ClinVar:

ClinVar aggregate classification (germline): Pathogenic (0 of 4 stars; one submission).

Conditions:
Hermansky-Pudlak syndrome 5 (HPS5). Identifiers: Orphanet 231512, Orphanet 79430, MedGen C3888004, MONDO:0013557, OMIM 614074.

Submission:

Laboratoire de Génétique Moléculaire, CHU Bordeaux
Classification: Pathogenic for Hermansky-Pudlak syndrome 5. Last evaluated: 2017-03-14. Review status: no assertion criteria provided. Collection method: clinical testing. Allele origin: maternal. Affected: yes.
Comment: (1,4kb from chr11:18327845 to chr11:18329253)

Literature cited by the submitters: PubMed 28640947.

11p15.1 deletion

Gene: HPS5 (HPS5 biogenesis of lysosomal organelles complex 2 subunit 2; minus strand). Cytogenetic location: 11p15.1.
Variant type: Deletion.
Identifiers: ClinVar variation 427885 (VCV000427885.1).